The following is an entry in ClinVar:

NM_003036.4(SKI):c.1711G>A (p.Val571Met)

Gene: SKI (SKI proto-oncogene; plus strand). Cytogenetic location: 1p36.32.
Variant type: single nucleotide variant.
Coding change: c.1711G>A on transcript NM_003036.4 (MANE Select); coding-DNA position 1711, G replaced by A.
Protein change: p.Val571Met; replaces valine 571 with methionine.
Molecular consequence: missense variant.
Genome position (GRCh38, 1-based): chr1:2,304,529, G>A. VCF-style: chr1-2304529-G-A. GRCh37 (hg19) VCF-style: chr1-2235968-G-A.
Other names: short protein forms V571M.
Identifiers: ClinVar variation 1220046 (VCV001220046.10), dbSNP rs190373826, ClinGen allele CA536770.

ClinVar aggregate classification (germline): Conflicting classifications of pathogenicity. Review status: criteria provided, conflicting classifications (1 of 4 stars). 3 submissions from 3 submitters: Uncertain significance (2); Likely benign (1). Last evaluated 2025-10-27.

Conditions:
Familial thoracic aortic aneurysm and aortic dissection (TAAD). Also called: Thoracic aortic aneurysms and dissections. Identifiers: Orphanet 91387, MedGen C4707243, MONDO:0019625.
Shprintzen-Goldberg syndrome (SGS). Also called: SHPRINTZEN-GOLDBERG CRANIOSYNOSTOSIS SYNDROME; CRANIOSYNOSTOSIS WITH ARACHNODACTYLY AND ABDOMINAL HERNIAS; Marfanoid disorder with craniosynostosis type 1; Marfanoid craniosynostosis syndrome; Shprintzen-Goldberg marfanoid syndrome. Identifiers: Orphanet 2462, MedGen C1321551, MONDO:0008426, OMIM 182212.

Allele frequency attached by ClinVar (database versions not stated): 1000 Genomes Project 30x 0.00016; gnomAD 0.00004; ExAC 0.00007; TOPMed 0.00005; 1000 Genomes Project 0.00020.
gnomAD v4.1: 18 of 1,581,270 alleles (0.0011%); highest among the groups gnomAD compares: African/African-American, 0.0095%; no homozygotes.

Submissions (3):

Labcorp Genetics (formerly Invitae), Labcorp
Classification: Likely benign for Shprintzen-Goldberg syndrome. Last evaluated: 2025-10-27. Review status: criteria provided, single submitter. Criteria: Invitae Variant Classification Sherloc (09022015). Collection method: clinical testing. Allele origin: germline.

Ambry Genetics
Classification: Uncertain significance for Familial thoracic aortic aneurysm and aortic dissection. Last evaluated: 2024-01-04. Review status: criteria provided, single submitter. Criteria: Ambry Variant Classification Scheme 2023. Collection method: clinical testing. Allele origin: germline.

GeneDx
Classification: Uncertain significance. Last evaluated: 2020-09-09. Review status: criteria provided, single submitter. Criteria: GeneDx Variant Classification Process June 2021. Collection method: clinical testing. Allele origin: germline. Affected: yes.
Comment: Has not been previously published as pathogenic or benign to our knowledge; Not observed at a significant frequency in large population cohorts (Lek et al., 2016); In silico analysis supports that this missense variant does not alter protein structure/function